The following is an entry in ClinVar:

ClinVar aggregate classification (germline): Uncertain significance. Review status: criteria provided, multiple submitters, no conflicts (2 of 4 stars). 3 submissions from 3 submitters: Uncertain significance (3). Last evaluated 2026-04-19.

Conditions:
Inborn genetic diseases. Identifiers: MedGen C0950123, MeSH D030342.
COL17A1-related disorder. Also called: COL17A1-related condition.

Allele frequency attached by ClinVar (database versions not stated): gnomAD exomes 0.00005; ExAC 0.00007; TOPMed 0.00007; ESP Exome Variant Server 0.00008; 1000 Genomes Project 30x 0.00016; 1000 Genomes Project 0.00020.

Submissions (3):

PreventionGenetics, part of Exact Sciences
Classification: Uncertain significance for COL17A1-related condition. Last evaluated: 2026-04-19. Review status: criteria provided, single submitter. Criteria: ACMG Guidelines, 2015. Collection method: clinical testing. Allele origin: germline.
Comment: The COL17A1 c.529C>T variant is predicted to result in the amino acid substitution p.Arg177Trp. To our knowledge, this variant has not been reported in the literature. This variant is reported in 0.0085% of alleles in individuals of Latino descent in gnomAD. At this time, the clinical significance of this variant is uncertain due to the absence of conclusive functional and genetic evidence.

Labcorp Genetics (formerly Invitae), Labcorp
Classification: Uncertain significance. Last evaluated: 2025-08-11. Review status: criteria provided, single submitter. Criteria: Invitae Variant Classification Sherloc (09022015). Collection method: clinical testing. Allele origin: germline.
Comment: This sequence change replaces arginine, which is basic and polar, with tryptophan, which is neutral and slightly polar, at codon 177 of the COL17A1 protein (p.Arg177Trp). This variant is present in population databases (rs141512377, gnomAD 0.008%). This variant has not been reported in the literature in individuals affected with COL17A1-related conditions. ClinVar contains an entry for this variant (Variation ID: 2596493). Invitae Evidence Modeling of protein sequence and biophysical properties (such as structural, functional, and spatial information, amino acid conservation, physicochemical variation, residue mobility, and thermodynamic stability) indicates that this missense variant is expected to disrupt COL17A1 protein function with a positive predictive value of 80%. In summary, the available evidence is currently insufficient to determine the role of this variant in disease. Therefore, it has been classified as a Variant of Uncertain Significance.

Ambry Genetics
Classification: Uncertain significance for Inborn genetic diseases. Last evaluated: 2023-08-22. Review status: criteria provided, single submitter. Criteria: Ambry Variant Classification Scheme 2023. Collection method: clinical testing. Allele origin: germline.

NM_000494.4(COL17A1):c.529C>T (p.Arg177Trp)

Gene: COL17A1 (collagen type XVII alpha 1 chain; minus strand). Cytogenetic location: 10q25.1.
Variant type: single nucleotide variant.
Coding change: c.529C>T on transcript NM_000494.4 (MANE Select); coding-DNA position 529, C replaced by T.
Protein change: p.Arg177Trp; replaces arginine 177 with tryptophan.
Molecular consequence: missense variant.
Genome position (GRCh38, 1-based): chr10:104,070,504, G>A on the plus strand (C>T on the coding strand, the complement: COL17A1 is on the minus strand). VCF-style: chr10-104070504-G-A. GRCh37 (hg19) VCF-style: chr10-105830262-G-A.
Other names: short protein forms R177W.
Identifiers: ClinVar variation 2596493 (VCV002596493.4), dbSNP rs141512377, ClinGen allele CA5679385.